The following is an entry in ClinVar:

NM_017780.4(CHD7):c.8249T>C (p.Phe2750Ser)

Gene: CHD7 (chromodomain helicase DNA binding protein 7; plus strand). Cytogenetic location: 8q12.2.
Variant type: single nucleotide variant.
Coding change: c.8249T>C on transcript NM_017780.4 (MANE Select); coding-DNA position 8249, T replaced by C.
Protein change: p.Phe2750Ser; replaces phenylalanine 2750 with serine.
Molecular consequence: missense variant.
Genome position (GRCh38, 1-based): chr8:60,865,188, T>C. VCF-style: chr8-60865188-T-C. GRCh37 (hg19) VCF-style: chr8-61777747-T-C.
Other names: c.2102T>C, p.Phe701Ser (NM_001316690.1); short protein forms F2750S, F701S.
Identifiers: ClinVar variation 3637096 (VCV003637096.2).
Genomic context (GRCh38, chr8:60,865,188, plus strand): 5'-CGGCCGCCGCTGCTGTGGCCTCCACGTCAGGGATCAACCCTTTGCTGGTGAACAGCCTGT[T>C]TGCTGGAATGGACCTGACGAGCCTTCAGAATCTCCAGAATCTCCAGTCGCTCCAGCTGGC-3'
Protein context (NP_060250.2, residues 2740-2760): GINPLLVNSL[Phe2750Ser]AGMDLTSLQN

ClinVar aggregate classification (germline): Uncertain significance (1 of 4 stars; one submission).

Conditions:
CHARGE syndrome (CHARGE). Also called: Hittner Hirsch Kreh syndrome; CHARGE ASSOCIATION--COLOBOMA, HEART ANOMALY, CHOANAL ATRESIA, RETARDATION, GENITAL AND EAR ANOMALIES; Coloboma, heart anomaly, choanal atresia, retardation, genital and ear anomalies; CHARGE association; Hall-Hittner syndrome. Identifiers: Orphanet 138, MedGen C0265354, MONDO:0008965.

Submission:

Labcorp Genetics (formerly Invitae), Labcorp
Classification: Uncertain significance for CHARGE syndrome. Last evaluated: 2024-08-28. Review status: criteria provided, single submitter. Criteria: Invitae Variant Classification Sherloc (09022015). Collection method: clinical testing. Allele origin: germline.
Comment: This sequence change replaces phenylalanine, which is neutral and non-polar, with serine, which is neutral and polar, at codon 2750 of the CHD7 protein (p.Phe2750Ser). This variant is not present in population databases (gnomAD no frequency). This variant has not been reported in the literature in individuals affected with CHD7-related conditions. Invitae Evidence Modeling of protein sequence and biophysical properties (such as structural, functional, and spatial information, amino acid conservation, physicochemical variation, residue mobility, and thermodynamic stability) has been performed for this missense variant. However, the output from this modeling did not meet the statistical confidence thresholds required to predict the impact of this variant on CHD7 protein function. In summary, the available evidence is currently insufficient to determine the role of this variant in disease. Therefore, it has been classified as a Variant of Uncertain Significance.